The following is an entry in ClinVar:

NM_052859.4(RFT1):c.1480G>A (p.Gly494Ser)

Gene: RFT1 (RFT1 glycolipid translocator homolog; minus strand). Cytogenetic location: 3p21.1.
Variant type: single nucleotide variant.
Coding change: c.1480G>A on transcript NM_052859.4 (MANE Select); coding-DNA position 1480, G replaced by A.
Protein change: p.Gly494Ser; replaces glycine 494 with serine.
Molecular consequence: missense variant.
Genome position (GRCh38, 1-based): chr3:53,092,049, C>T on the plus strand (G>A on the coding strand, the complement: RFT1 is on the minus strand). VCF-style: chr3-53092049-C-T. GRCh37 (hg19) VCF-style: chr3-53126065-C-T.
Other names: short protein forms G494S.
Identifiers: ClinVar variation 2160609 (VCV002160609.16), dbSNP rs756497073, ClinGen allele CA2451135.

ClinVar aggregate classification (germline): Uncertain significance. Review status: criteria provided, multiple submitters, no conflicts (2 of 4 stars). 2 submissions from 2 submitters: Uncertain significance (2). Last evaluated 2024-05-22.

Conditions:
RFT1-congenital disorder of glycosylation (CDG1N). Also called: RFT1-CDG; Congenital disorder of glycosylation type In; CDG In. Identifiers: Orphanet 244310, MedGen C2677590, MONDO:0012783, OMIM 612015.

Allele frequency attached by ClinVar (database versions not stated): ExAC 0.00001; gnomAD exomes 0.00001.
gnomAD v4.1: 16 of 1,614,246 alleles (0.00099%); highest among the groups gnomAD compares: South Asian, 0.018%; no homozygotes.

Submissions (2):

Clinical Omics and Informatics (COIN) Unit, Neuroscience Institute, University Of Cape Town
Classification: Uncertain significance for RFT1-congenital disorder of glycosylation. Last evaluated: 2024-05-22. Review status: criteria provided, single submitter. Criteria: ACMG Guidelines, 2015. Collection method: research. Allele origin: germline. Inheritance: Autosomal recessive inheritance. Affected: yes. Observed: 1 variant allele, 1 homozygote.
Comment: PM2_supporting: the highest population allele frequency in gnomAD v4.0 is 0.00009799 (0.0098%; 3/30616 alleles in South Asian population) and the variant is absent in gnomAD v3.1.2. is 0.0004798 (0.048%; 1/2084 alleles in Other population) and the variant is absent from an internal database of 1074 control alleles. PP3 met: REVEL score is 0.70. Sequencing funded by the International Centre for Genomic Medicine in Neuromuscular Diseases (ICGNMD).

Labcorp Genetics (formerly Invitae), Labcorp
Classification: Uncertain significance for RFT1-congenital disorder of glycosylation. Last evaluated: 2022-01-10. Review status: criteria provided, single submitter. Criteria: Invitae Variant Classification Sherloc (09022015). Collection method: clinical testing. Allele origin: germline.
Comment: This sequence change replaces glycine, which is neutral and non-polar, with serine, which is neutral and polar, at codon 494 of the RFT1 protein (p.Gly494Ser). This variant is present in population databases (rs756497073, gnomAD 0.01%). This variant has not been reported in the literature in individuals affected with RFT1-related conditions. Algorithms developed to predict the effect of missense changes on protein structure and function are either unavailable or do not agree on the potential impact of this missense change (SIFT: "Deleterious"; PolyPhen-2: "Probably Damaging"; Align-GVGD: "Class C0"). In summary, the available evidence is currently insufficient to determine the role of this variant in disease. Therefore, it has been classified as a Variant of Uncertain Significance.

Literature cited by the submitters: PubMed 37712079 (cited by Clinical Omics and Informatics (COIN) Unit, Neuroscience Institute, University Of Cape Town).